The following is an entry in ClinVar:

NM_181882.3(PRX):c.381+6C>T

Gene: PRX (periaxin; minus strand). Cytogenetic location: 19q13.2.
Variant type: single nucleotide variant.
Coding change: c.381+6C>T on transcript NM_181882.3 (MANE Select); 6 bases into the intron after coding-DNA position 381, C replaced by T.
Molecular consequence: intron variant. On other transcripts: synonymous variant (1).
Genome position (GRCh38, 1-based): chr19:40,398,614, G>A on the plus strand (C>T on the coding strand, the complement: PRX is on the minus strand). VCF-style: chr19-40398614-G-A. GRCh37 (hg19) VCF-style: chr19-40904521-G-A.
Other names: p.?; c.387C>T, p.Arg129= (NM_020956.2).
Identifiers: ClinVar variation 1489701 (VCV001489701.5), dbSNP rs778983888, ClinGen allele CA9444493.

ClinVar aggregate classification (germline): Conflicting classifications of pathogenicity. Review status: criteria provided, conflicting classifications (1 of 4 stars). 2 submissions from 2 submitters: Uncertain significance (1); Likely benign (1). Last evaluated 2025-03-18.

Conditions:
Charcot-Marie-Tooth disease type 4. Also called: Charcot-Marie-Tooth, Type 4; Charcot-Marie-Tooth disease, type IV. Identifiers: Orphanet 64749, MedGen C4082197, MONDO:0018995.

Allele frequency attached by ClinVar (database versions not stated): TOPMed below 0.00001; gnomAD 0.00001; ExAC 0.00002.
gnomAD v4.1: 48 of 1,613,146 alleles (0.003%); highest among the groups gnomAD compares: Non-Finnish European, 0.0036%; no homozygotes.

Submissions (2):

Mayo Clinic Laboratories, Mayo Clinic
Classification: Likely benign. Last evaluated: 2025-03-18. Review status: criteria provided, single submitter. Criteria: ACMG Guidelines, 2015. Collection method: clinical testing. Allele origin: germline. Observed: 1 variant allele.
Comment: BP4, BP7

Labcorp Genetics (formerly Invitae), Labcorp
Classification: Uncertain significance for Charcot-Marie-Tooth disease type 4. Last evaluated: 2021-01-08. Review status: criteria provided, single submitter. Criteria: Invitae Variant Classification Sherloc (09022015). Collection method: clinical testing. Allele origin: germline.
Comment: In summary, the available evidence is currently insufficient to determine the role of this variant in disease. Therefore, it has been classified as a Variant of Uncertain Significance. Nucleotide substitutions within the consensus splice site are a relatively common cause of aberrant splicing (PMID: 17576681, 9536098). Algorithms developed to predict the effect of sequence changes on RNA splicing suggest that this variant is not likely to affect RNA splicing, but this prediction has not been confirmed by published transcriptional studies. This variant has not been reported in the literature in individuals with PRX-related conditions. This variant is present in population databases (rs778983888, ExAC 0.003%). This sequence change falls in intron 6 of the PRX gene. It does not directly change the encoded amino acid sequence of the PRX protein. It affects a nucleotide within the consensus splice site of the intron.

Literature cited by the submitters: PubMed 17576681 (cited by Labcorp Genetics (formerly Invitae), Labcorp); PubMed 9536098 (cited by Labcorp Genetics (formerly Invitae), Labcorp).